The following is an entry in ClinVar:

NM_000051.4(ATM):c.3253G>A (p.Val1085Ile)

Gene: ATM (ATM serine/threonine kinase; plus strand). Cytogenetic location: 11q22.3.
Variant type: single nucleotide variant.
Coding change: c.3253G>A on transcript NM_000051.4 (MANE Select); coding-DNA position 3253, G replaced by A.
Protein change: p.Val1085Ile; replaces valine 1085 with isoleucine.
Molecular consequence: missense variant.
Genome position (GRCh38, 1-based): chr11:108,272,821, G>A. VCF-style: chr11-108272821-G-A. GRCh37 (hg19) VCF-style: chr11-108143548-G-A.
Other names: c.3253G>A, p.Val1085Ile (NM_001351834.2); short protein forms V1085I.
Identifiers: ClinVar variation 453455 (VCV000453455.14), dbSNP rs1555086177, ClinGen allele CA382516078.

ClinVar aggregate classification (germline): Uncertain significance. Review status: criteria provided, multiple submitters, no conflicts (2 of 4 stars). 3 submissions from 3 submitters: Uncertain significance (2). 1 of the submissions does not count toward it. Last evaluated 2024-03-06.

Conditions:
Hereditary cancer-predisposing syndrome. Also called: Tumor predisposition; Hereditary Cancer Syndrome; Neoplastic Syndromes, Hereditary; Hereditary neoplastic syndrome. Identifiers: Orphanet 140162, MedGen C0027672, MeSH D009386, MONDO:0015356.
Ataxia-telangiectasia syndrome (AT). Also called: Cerebello-oculocutaneous telangiectasia; Immunodeficiency with ataxia telangiectasia; Ataxia-telangiectasia, complementation group D; AT, COMPLEMENTATION GROUP C; Ataxia-telangiectasia, complementation group E; LOUIS-BAR SYNDROME. Identifiers: Orphanet 100, MedGen C0004135, MONDO:0008840, OMIM 208900.

Submissions (3):

Color Diagnostics, LLC DBA Color Health
Classification: Uncertain significance for Hereditary cancer-predisposing syndrome. Last evaluated: 2024-03-06. Review status: criteria provided, single submitter. Criteria: ACMG Guidelines, 2015. Collection method: clinical testing. Allele origin: germline.
Comment: This missense variant replaces valine with isoleucine at codon 1085 of the ATM protein. Computational prediction suggests that this variant may not impact protein structure and function (internally defined REVEL score threshold <= 0.5, PMID: 27666373). To our knowledge, functional studies have not been reported for this variant. This variant has not been reported in individuals affected with hereditary cancer in the literature. This variant has not been identified in the general population by the Genome Aggregation Database (gnomAD). The available evidence is insufficient to determine the role of this variant in disease conclusively. Therefore, this variant is classified as a Variant of Uncertain Significance.

Labcorp Genetics (formerly Invitae), Labcorp
Classification: Uncertain significance for Ataxia-telangiectasia syndrome. Last evaluated: 2017-02-04. Review status: criteria provided, single submitter. Criteria: Invitae Variant Classification Sherloc (09022015). Collection method: clinical testing. Allele origin: germline.
Comment: In summary, this variant is a novel missense change with uncertain impact on protein function. It has been classified as a Variant of Uncertain Significance. Algorithms developed to predict the effect of missense changes on protein structure and function do not agree on the potential impact of this missense change (SIFT: "Tolerated"; PolyPhen-2: "Possibly Damaging"; Align-GVGD: "Class C0"). This variant is not present in population databases (ExAC no frequency) and has not been reported in the literature in individuals with a ATM-related disease. This sequence change replaces valine with isoleucine at codon 1085 of the ATM protein (p.Val1085Ile). The valine residue is highly conserved and there is a small physicochemical difference between valine and isoleucine.

Counsyl
Classification: Uncertain significance for Ataxia-telangiectasia syndrome. Last evaluated: 2018-04-17. Review status: no assertion criteria provided. Collection method: clinical testing. Allele origin: unknown. Not counted in ClinVar's aggregate classification.